The following is an entry in ClinVar:

ClinVar aggregate classification (germline): Uncertain significance. Review status: criteria provided, multiple submitters, no conflicts (2 of 4 stars). 2 submissions from 2 submitters: Uncertain significance (2). Last evaluated 2025-08-31.

Conditions:
Inborn genetic diseases. Identifiers: MedGen C0950123, MeSH D030342.

Allele frequency attached by ClinVar (database versions not stated): TOPMed 0.00003; gnomAD exomes 0.00005; gnomAD 0.00002; ExAC 0.00006.

Submissions (2):

Ambry Genetics
Classification: Uncertain significance for Inborn genetic diseases. Last evaluated: 2025-08-31. Review status: criteria provided, single submitter. Criteria: Ambry Variant Classification Scheme 2023. Collection method: clinical testing. Allele origin: germline.

Labcorp Genetics (formerly Invitae), Labcorp
Classification: Uncertain significance. Last evaluated: 2025-08-18. Review status: criteria provided, single submitter. Criteria: Invitae Variant Classification Sherloc (09022015). Collection method: clinical testing. Allele origin: germline.
Comment: This sequence change replaces arginine, which is basic and polar, with cysteine, which is neutral and slightly polar, at codon 150 of the DVL1 protein (p.Arg150Cys). This variant is present in population databases (rs769077276, gnomAD 0.01%). This variant has not been reported in the literature in individuals affected with DVL1-related conditions. ClinVar contains an entry for this variant (Variation ID: 2732352). Invitae Evidence Modeling of protein sequence and biophysical properties (such as structural, functional, and spatial information, amino acid conservation, physicochemical variation, residue mobility, and thermodynamic stability) indicates that this missense variant is not expected to disrupt DVL1 protein function with a negative predictive value of 80%. In summary, the available evidence is currently insufficient to determine the role of this variant in disease. Therefore, it has been classified as a Variant of Uncertain Significance.

NM_001330311.2(DVL1):c.448C>T (p.Arg150Cys)

Gene: DVL1 (dishevelled segment polarity protein 1; minus strand). Cytogenetic location: 1p36.33.
Variant type: single nucleotide variant.
Coding change: c.448C>T on transcript NM_001330311.2 (MANE Select); coding-DNA position 448, C replaced by T.
Protein change: p.Arg150Cys; replaces arginine 150 with cysteine.
Molecular consequence: missense variant.
Genome position (GRCh38, 1-based): chr1:1,342,071, G>A on the plus strand (C>T on the coding strand, the complement: DVL1 is on the minus strand). VCF-style: chr1-1342071-G-A. GRCh37 (hg19) VCF-style: chr1-1277451-G-A.
Other names: c.448C>T, p.Arg150Cys (NM_004421.3); c.448C>T (NM_004421.2); short protein forms R150C.
Identifiers: ClinVar variation 2732352 (VCV002732352.4), dbSNP rs769077276, ClinGen allele CA520683.
Genomic context (GRCh38, chr1:1,342,071, plus strand): 5'-GGAGGCTGGGGGTCCACAGCTGGGCAGACATGACCACTGTACCCTCCTCGCGGTTCCGGC[G>A]TCGGGCACGCTCCCGCCGGTGACTGACCATGGACTCCGTGCCTGTCTCGTTGTCCATCCC-3'
Protein context (NP_001317240.1, residues 140-160): MVSHRRERAR[Arg150Cys]RNREEAARTN